The following is an entry in ClinVar:

ClinVar aggregate classification (germline): Uncertain significance. Review status: criteria provided, multiple submitters, no conflicts (2 of 4 stars). 3 submissions from 3 submitters: Uncertain significance (3). Last evaluated 2025-01-11.

Conditions:
Hereditary cancer-predisposing syndrome. Also called: Tumor predisposition; Hereditary neoplastic syndrome; Neoplastic Syndromes, Hereditary; Hereditary Cancer Syndrome. Identifiers: Orphanet 140162, MedGen C0027672, MeSH D009386, MONDO:0015356.
Rhabdoid tumor predisposition syndrome 2 (RTPS2). Identifiers: Orphanet 231108, Orphanet 69077, MedGen C2750074, MONDO:0013224, OMIM 613325.

Submissions (3):

Ambry Genetics
Classification: Uncertain significance for Hereditary cancer-predisposing syndrome. Last evaluated: 2025-01-11. Review status: criteria provided, single submitter. Criteria: Ambry Variant Classification Scheme 2023. Collection method: clinical testing. Allele origin: germline.
Comment: The p.D1381N variant (also known as c.4141G>A), located in coding exon 28 of the SMARCA4 gene, results from a G to A substitution at nucleotide position 4141. The aspartic acid at codon 1381 is replaced by asparagine, an amino acid with highly similar properties. This amino acid position is conserved. In addition, the in silico prediction for this alteration is inconclusive. Based on the available evidence, the clinical significance of this variant remains unclear.

Labcorp Genetics (formerly Invitae), Labcorp
Classification: Uncertain significance for Rhabdoid tumor predisposition syndrome 2. Last evaluated: 2024-09-03. Review status: criteria provided, single submitter. Criteria: Invitae Variant Classification Sherloc (09022015). Collection method: clinical testing. Allele origin: germline.
Comment: This sequence change replaces aspartic acid, which is acidic and polar, with asparagine, which is neutral and polar, at codon 1381 of the SMARCA4 protein (p.Asp1381Asn). This variant is not present in population databases (gnomAD no frequency). This variant has not been reported in the literature in individuals affected with SMARCA4-related conditions. ClinVar contains an entry for this variant (Variation ID: 1010204). Invitae Evidence Modeling of protein sequence and biophysical properties (such as structural, functional, and spatial information, amino acid conservation, physicochemical variation, residue mobility, and thermodynamic stability) indicates that this missense variant is expected to disrupt SMARCA4 protein function with a positive predictive value of 95%. In summary, the available evidence is currently insufficient to determine the role of this variant in disease. Therefore, it has been classified as a Variant of Uncertain Significance.

Centre of Medical Genetics, University Hospital Muenster
Classification: Uncertain significance. Last evaluated: 2022-03-08. Review status: criteria provided, single submitter. Criteria: ACMG Guidelines, 2015. Collection method: clinical testing. Allele origin: unknown. Affected: yes. Observed: 1 variant allele, 1 heterozygote.
Comment: ACMG categories: PM1,PM2,PP1

NM_003072.5(SMARCA4):c.4141G>A (p.Asp1381Asn)

Gene: SMARCA4 (SWI/SNF related BAF chromatin remodeling complex subunit ATPase 4; plus strand). Cytogenetic location: 19p13.2.
Variant type: single nucleotide variant.
Coding change: c.4141G>A on transcript NM_003072.5 (MANE Select); coding-DNA position 4141, G replaced by A.
Protein change: p.Asp1381Asn; replaces aspartic acid 1381 with asparagine.
Molecular consequence: missense variant. On other transcripts: non-coding transcript variant (1).
Genome position (GRCh38, 1-based): chr19:11,035,103, G>A. VCF-style: chr19-11035103-G-A. GRCh37 (hg19) VCF-style: chr19-11145779-G-A.
Other names: c.4141G>A, p.Asp1381Asn (NM_001128844.3, NM_001128849.3); c.4141G>A (NM_001128849.1); c.4042G>A, p.Asp1348Asn (NM_001128845.2, NM_001128846.2, NM_001128847.4 and 2 more transcripts); short protein forms D1348N, D1381N.
Identifiers: ClinVar variation 1010204 (VCV001010204.12), dbSNP rs2075186524, ClinGen allele CA404068551.